The following is an entry in ClinVar:

ClinVar aggregate classification (germline): Uncertain significance (1 of 4 stars; one submission).

Conditions:
Peroxisome biogenesis disorder 3A (Zellweger). Also called: PEROXISOMAL BIOGENESIS DISORDER 3A (ZELLWEGER); Peroxisome biogenesis disorder 3A. Identifiers: Orphanet 912, MedGen C3553929, MONDO:0013927, OMIM 614859.

Allele frequency attached by ClinVar (database versions not stated): gnomAD exomes below 0.00001.
gnomAD v4.1: 1 of 1,613,940 alleles (0.000062%); highest among the groups gnomAD compares: Non-Finnish European, 0.000085%; no homozygotes.

Submission:

Labcorp Genetics (formerly Invitae), Labcorp
Classification: Uncertain significance for Peroxisome biogenesis disorder 3A (Zellweger). Last evaluated: 2025-11-26. Review status: criteria provided, single submitter. Criteria: Invitae Variant Classification Sherloc (09022015). Collection method: clinical testing. Allele origin: germline.
Comment: This sequence change replaces histidine, which is basic and polar, with arginine, which is basic and polar, at codon 73 of the PEX12 protein (p.His73Arg). This variant is not present in population databases (gnomAD no frequency). This variant has not been reported in the literature in individuals affected with PEX12-related conditions. ClinVar contains an entry for this variant (Variation ID: 1981330). Invitae Evidence Modeling of protein sequence and biophysical properties (such as structural, functional, and spatial information, amino acid conservation, physicochemical variation, residue mobility, and thermodynamic stability) indicates that this missense variant is not expected to disrupt PEX12 protein function with a negative predictive value of 80%. In summary, the available evidence is currently insufficient to determine the role of this variant in disease. Therefore, it has been classified as a Variant of Uncertain Significance.

NM_000286.3(PEX12):c.218A>G (p.His73Arg)

Gene: PEX12 (peroxisomal biogenesis factor 12; minus strand). Cytogenetic location: 17q12.
Variant type: single nucleotide variant.
Coding change: c.218A>G on transcript NM_000286.3 (MANE Select); coding-DNA position 218, A replaced by G.
Protein change: p.His73Arg; replaces histidine 73 with arginine.
Molecular consequence: missense variant.
Genome position (GRCh38, 1-based): chr17:35,577,500, T>C on the plus strand (A>G on the coding strand, the complement: PEX12 is on the minus strand). VCF-style: chr17-35577500-T-C. GRCh37 (hg19) VCF-style: chr17-33904519-T-C.
Other names: short protein forms H73R.
Identifiers: ClinVar variation 1981330 (VCV001981330.2), dbSNP rs996074460, ClinGen allele CA290069717.